The following is an entry in ClinVar:

ClinVar aggregate classification (germline): Uncertain significance (1 of 4 stars; one submission).

Allele frequency attached by ClinVar (database versions not stated): TOPMed 0.00001; gnomAD exomes 0.00002; gnomAD 0.00003; ESP Exome Variant Server 0.00008.
gnomAD v4.1: 39 of 1,561,836 alleles (0.0025%); highest among the groups gnomAD compares: East Asian, 0.0047%; no homozygotes.

Submission:

Labcorp Genetics (formerly Invitae), Labcorp
Classification: Uncertain significance. Last evaluated: 2022-09-06. Review status: criteria provided, single submitter. Criteria: Invitae Variant Classification Sherloc (09022015). Collection method: clinical testing. Allele origin: germline.
Comment: This sequence change replaces alanine, which is neutral and non-polar, with threonine, which is neutral and polar, at codon 1595 of the ITPR1 protein (p.Ala1595Thr). The frequency data for this variant in the population databases is considered unreliable, as metrics indicate poor data quality at this position in the gnomAD database. This variant has not been reported in the literature in individuals affected with ITPR1-related conditions. Algorithms developed to predict the effect of missense changes on protein structure and function (SIFT, PolyPhen-2, Align-GVGD) all suggest that this variant is likely to be tolerated. In summary, the available evidence is currently insufficient to determine the role of this variant in disease. Therefore, it has been classified as a Variant of Uncertain Significance.

NM_001378452.1(ITPR1):c.4855G>A (p.Ala1619Thr)

Genes: BRRIAR (BHLHE40 and RIG-I regulating ITPR1 antisense RNA; minus strand), ITPR1 (inositol 1,4,5-trisphosphate receptor type 1; plus strand). Cytogenetic location: 3p26.1.
Variant type: single nucleotide variant.
Coding change: c.4855G>A on transcript NM_001378452.1 (MANE Select); coding-DNA position 4855, G replaced by A.
Protein change: p.Ala1619Thr; replaces alanine 1619 with threonine.
Molecular consequence: missense variant.
Genome position (GRCh38, 1-based): chr3:4,710,337, G>A. VCF-style: chr3-4710337-G-A. GRCh37 (hg19) VCF-style: chr3-4752021-G-A.
Other names: c.4828G>A, p.Ala1610Thr (NM_001099952.4); c.4810G>A, p.Ala1604Thr (NM_001168272.2); c.4783G>A, p.Ala1595Thr (NM_002222.7); short protein forms A1610T, A1604T, A1619T, A1595T.
Identifiers: ClinVar variation 2147326 (VCV002147326.4), dbSNP rs377441762, ClinGen allele CA2232133.